The following is an entry in ClinVar:

NM_138694.4(PKHD1):c.4876A>G (p.Ile1626Val)

Genes: PKHD1 (PKHD1 ciliary IPT domain containing fibrocystin/polyductin; minus strand), LOC126859690 (MED14-independent group 3 enhancer GRCh37_chr6:51888848-51890047; plus strand). Cytogenetic location: 6p12.2.
Variant type: single nucleotide variant.
Coding change: c.4876A>G on transcript NM_138694.4 (MANE Select); coding-DNA position 4876, A replaced by G.
Protein change: p.Ile1626Val; replaces isoleucine 1626 with valine.
Molecular consequence: missense variant.
Genome position (GRCh38, 1-based): chr6:52,024,934, T>C on the plus strand (A>G on the coding strand, the complement: PKHD1 is on the minus strand). VCF-style: chr6-52024934-T-C. GRCh37 (hg19) VCF-style: chr6-51889732-T-C.
Other names: c.4876A>G, p.Ile1626Val (NM_170724.3); c.4876A>G (NM_138694.3); short protein forms I1626V.
Identifiers: ClinVar variation 284552 (VCV000284552.9), dbSNP rs770183868, ClinGen allele CA10604837.
Genomic context (GRCh38, chr6:52,024,934, plus strand): 5'-GATACCAAAGTCCATCTACCTCTATTTCCAGGGCAACAGAGCCATTCCCTGTGGGAACAA[T>C]GCACCGGATGAGCTCAGCACCGATGTTCACCGTCAGGCAGGTCTGCTGGTCAATATAGAC-3'
Protein context (NP_619639.3, residues 1616-1636): VNIGAELIRC[Ile1626Val]VPTGNGSVAL

ClinVar aggregate classification (germline): Uncertain significance. Review status: criteria provided, multiple submitters, no conflicts (2 of 4 stars). 5 submissions from 5 submitters: Uncertain significance (5). Last evaluated 2026-07-08.

Conditions:
PKHD1-related disorder. Also called: PKHD1-related condition.
Polycystic kidney disease 4 (PKD4). Also called: POLYCYSTIC KIDNEY AND HEPATIC DISEASE 1; POLYCYSTIC KIDNEY DISEASE, INFANTILE, TYPE I; POLYCYSTIC KIDNEY DISEASE 4 WITH OR WITHOUT POLYCYSTIC LIVER DISEASE; PKD3; Autosomal Recessive Polycystic Kidney Disease – PKHD1. Identifiers: MedGen C4540575, MONDO:0033004, OMIM 263200.

Allele frequency attached by ClinVar (database versions not stated): gnomAD 0.00001; TOPMed 0.00003.
gnomAD v4.1: 19 of 1,614,054 alleles (0.0012%); highest among the groups gnomAD compares: African/African-American, 0.012%; no homozygotes.

Submissions (5):

PreventionGenetics, part of Exact Sciences
Classification: Uncertain significance for PKHD1-related condition. Last evaluated: 2026-07-08. Review status: criteria provided, single submitter. Criteria: ACMG Guidelines, 2015. Collection method: clinical testing. Allele origin: germline.
Comment: The PKHD1 c.4876A>G variant is predicted to result in the amino acid substitution p.Ile1626Val. To our knowledge, this variant has not been reported in the literature. This variant is reported in 0.0040% of alleles in individuals of African descent in gnomAD. At this time, the clinical significance of this variant is uncertain due to the absence of conclusive functional and genetic evidence.

GeneDx
Classification: Uncertain significance. Last evaluated: 2025-05-13. Review status: criteria provided, single submitter. Criteria: GeneDx Variant Classification Process June 2021. Collection method: clinical testing. Allele origin: germline. Affected: yes.
Comment: Not observed at significant frequency in large population cohorts (gnomAD); In silico analysis suggests that this missense variant does not alter protein structure/function; In silico analysis suggests this variant may impact gene splicing. In the absence of RNA/functional studies, the actual effect of this sequence change is unknown.; Has not been previously published as pathogenic or benign to our knowledge

Fulgent Genetics
Classification: Uncertain significance for Polycystic kidney disease 4. Last evaluated: 2024-03-13. Review status: criteria provided, single submitter. Criteria: ACMG Guidelines, 2015. Collection method: clinical testing. Allele origin: germline.

Blueprint Genetics
Classification: Uncertain significance. Last evaluated: 2024-02-14. Review status: criteria provided, single submitter. Criteria: ACMG Guidelines, 2015. Collection method: clinical testing. Allele origin: germline.

Eurofins Ntd Llc (ga)
Classification: Uncertain significance. Last evaluated: 2018-08-03. Review status: criteria provided, single submitter. Criteria: EGL ClinVar v180209 classification definitions. Collection method: clinical testing. Allele origin: germline. Observed: 3 variant alleles, 3 heterozygotes.